The following is an entry in ClinVar:

ClinVar aggregate classification (germline): Likely benign. Review status: criteria provided, multiple submitters, no conflicts (2 of 4 stars). 2 submissions from 2 submitters: Likely benign (2). Last evaluated 2024-09-01.

Allele frequency attached by ClinVar (database versions not stated): gnomAD exomes below 0.00001.
gnomAD v4.1: 2 of 1,607,444 alleles (0.00012%); highest among the groups gnomAD compares: Non-Finnish European, 0.000085%; no homozygotes.

Submissions (2):

CeGaT Center for Human Genetics Tuebingen
Classification: Likely benign. Last evaluated: 2024-09-01. Review status: criteria provided, single submitter. Criteria: CeGaT Center For Human Genetics Tuebingen Variant Classification Criteria Version 2. Collection method: clinical testing. Allele origin: germline. Affected: yes. Observed: 1 variant allele.
Comment: WDR62: BP4, BP7

Genetic Services Laboratory, University of Chicago
Classification: Likely benign. Last evaluated: 2015-10-29. Review status: criteria provided, single submitter. Criteria: ACMG Guidelines, 2015. Collection method: clinical testing. Allele origin: germline. Affected: no.

NM_001083961.2(WDR62):c.540G>A (p.Val180=)

Gene: WDR62 (WD repeat domain 62; plus strand). Cytogenetic location: 19q13.12.
Variant type: single nucleotide variant.
Coding change: c.540G>A on transcript NM_001083961.2 (MANE Select); coding-DNA position 540, G replaced by A.
Protein change: p.Val180=; no amino-acid change (valine 180 retained).
Molecular consequence: synonymous variant.
Genome position (GRCh38, 1-based): chr19:36,066,406, G>A. VCF-style: chr19-36066406-G-A. GRCh37 (hg19) VCF-style: chr19-36557308-G-A.
Other names: c.540G>A, p.Val180= (NM_173636.5).
Identifiers: ClinVar variation 437278 (VCV000437278.20), dbSNP rs1555712171, ClinGen allele CA507109651.